The following is an entry in ClinVar:

NM_001875.5(CPS1):c.2407C>T (p.Arg803Cys)

Gene: CPS1 (carbamoyl-phosphate synthase 1; plus strand). Cytogenetic location: 2q34.
Variant type: single nucleotide variant.
Coding change: c.2407C>T on transcript NM_001875.5 (MANE Select); coding-DNA position 2407, C replaced by T.
Protein change: p.Arg803Cys; replaces arginine 803 with cysteine.
Molecular consequence: missense variant. On other transcripts: non-coding transcript variant (2).
Genome position (GRCh38, 1-based): chr2:210,612,132, C>T. VCF-style: chr2-210612132-C-T. GRCh37 (hg19) VCF-style: chr2-211476856-C-T.
Other names: c.2407C>T, p.Arg803Cys (NM_001122633.3, NM_001369257.1); c.2440C>T, p.Arg814Cys (NM_001369256.1); c.2407C>T (LRG_336t1); short protein forms R803C, R814C.
Identifiers: ClinVar variation 477851 (VCV000477851.14), dbSNP rs201716417, ClinGen allele CA2086634.
Genomic context (GRCh38, chr2:210,612,132, plus strand): 5'-CATAAGCTCTTTCTTTCAATATGAGGTCTTAAACATGTATTACAGGTCATGGCTATTGGT[C>T]GTACCTTTGAGGAGAGTTTCCAGAAAGCTTTACGGATGTGCCACCCATCTATAGAAGGTT-3'
Protein context (NP_001866.2, residues 793-813): KSVGEVMAIG[Arg803Cys]TFEESFQKAL

ClinVar aggregate classification (germline): Conflicting classifications of pathogenicity. Review status: criteria provided, conflicting classifications (1 of 4 stars). 6 submissions from 6 submitters: Pathogenic (2); Likely pathogenic (1); Uncertain significance (1). 2 of the submissions do not count toward it. Last evaluated 2025-06-12.

Conditions:
Pulmonary hypertension, neonatal, susceptibility to (PHN). Identifiers: MedGen C3714958, MONDO:0014151, OMIM 615371.
Congenital hyperammonemia, type I. Also called: Carbamoyl phosphate synthetase 1 deficiency; Hyperammonemia due to carbamoyl phosphate synthetase 1 deficiency; CPS 1 deficiency; Carbamyl phosphate synthetase (CPS) deficiency; Carbamoyl phosphate synthetase I deficiency disease; Carbamoyl-phosphate synthase I deficiency. Identifiers: Orphanet 147, MedGen C4082171, MONDO:0009376, OMIM 237300.

Allele frequency attached by ClinVar (database versions not stated): TOPMed 0.00001.
gnomAD v4.1: 24 of 1,611,730 alleles (0.0015%); highest among the groups gnomAD compares: Middle Eastern, 0.016%; no homozygotes.

Submissions (6):

Women's Health and Genetics/Laboratory Corporation of America, LabCorp
Classification: Uncertain significance. Last evaluated: 2025-06-12. Review status: criteria provided, single submitter. Criteria: LabCorp Variant Classification Summary - May 2015. Collection method: clinical testing. Allele origin: germline.
Comment: Variant summary: CPS1 c.2407C>T (p.Arg803Cys) results in a non-conservative amino acid change located in the CPSase domain (IPR005483) of the encoded protein sequence. Algorithms developed to predict the effect of missense changes on protein structure and function all suggest that this variant is likely to be disruptive. The variant allele was found at a frequency of 8e-06 in 251012 control chromosomes. c.2407C>T has been reported in the literature in individuals affected with Carbamoylphosphate Synthetase I Deficiency (example: Haberle_2011, Funghini_2012). These data do not allow any conclusion about variant significance. A different variant affecting the same codon has been determined to be pathogenic (c.2407C>G, p.Arg803Gly), supporting the critical relevance of codon 803 to CPS1 protein function. To our knowledge, no experimental evidence demonstrating an impact on protein function has been reported. The following publications have been ascertained in the context of this evaluation (PMID: 22173106, 21120950). ClinVar contains an entry for this variant (Variation ID: 477851). Based on the evidence outlined above, the variant was classified as VUS-possibly pathogenic.

Labcorp Genetics (formerly Invitae), Labcorp
Classification: Pathogenic for Congenital hyperammonemia, type I. Last evaluated: 2024-10-24. Review status: criteria provided, single submitter. Criteria: Invitae Variant Classification Sherloc (09022015). Collection method: clinical testing. Allele origin: germline.
Comment: This sequence change replaces arginine, which is basic and polar, with cysteine, which is neutral and slightly polar, at codon 803 of the CPS1 protein (p.Arg803Cys). This variant is present in population databases (rs201716417, gnomAD 0.004%). This missense change has been observed in individuals with carbamoyl phosphate synthetase I deficiency (PMID: 21120950, 22173106). ClinVar contains an entry for this variant (Variation ID: 477851). Invitae Evidence Modeling of protein sequence and biophysical properties (such as structural, functional, and spatial information, amino acid conservation, physicochemical variation, residue mobility, and thermodynamic stability) indicates that this missense variant is expected to disrupt CPS1 protein function with a positive predictive value of 95%. This variant disrupts the p.Arg803 amino acid residue in CPS1. Other variant(s) that disrupt this residue have been determined to be pathogenic (PMID: 19167850, 22575620, 26440671, 28658158; internal data). This suggests that this residue is clinically significant, and that variants that disrupt this residue are likely to be disease-causing. For these reasons, this variant has been classified as Pathogenic.

Baylor Genetics
Classification: Likely pathogenic for Pulmonary hypertension, neonatal, susceptibility to. Last evaluated: 2024-03-03. Review status: criteria provided, single submitter. Criteria: ACMG Guidelines, 2015. Collection method: clinical testing. Allele origin: unknown.

Kariminejad - Najmabadi Pathology & Genetics Center
Classification: Pathogenic for Congenital hyperammonemia, type I. Review status: criteria provided, single submitter. Criteria: ACMG Guidelines, 2015. Collection method: clinical testing. Allele origin: germline. Affected: no.

Natera, Inc.
Classification: Uncertain significance for Carbamoyl-phosphate synthase I deficiency. Last evaluated: 2021-04-21. Review status: no assertion criteria provided. Collection method: clinical testing. Allele origin: germline. Not counted in ClinVar's aggregate classification.

Counsyl
Classification: Uncertain significance for Congenital hyperammonemia, type I. Last evaluated: 2017-10-04. Review status: no assertion criteria provided. Collection method: clinical testing. Allele origin: unknown. Not counted in ClinVar's aggregate classification.

Literature cited by the submitters: PubMed 22173106 (cited by 3 submitters); PubMed 21120950 (cited by 3 submitters); PubMed 19167850 (cited by Labcorp Genetics (formerly Invitae), Labcorp); PubMed 22575620 (cited by Labcorp Genetics (formerly Invitae), Labcorp); PubMed 26440671 (cited by Labcorp Genetics (formerly Invitae), Labcorp); PubMed 28658158 (cited by Labcorp Genetics (formerly Invitae), Labcorp).